The following is an entry in ClinVar:

ClinVar aggregate classification (germline): Pathogenic/Likely pathogenic. Review status: criteria provided, multiple submitters, no conflicts (2 of 4 stars). 4 submissions from 4 submitters: Pathogenic (3); Likely pathogenic (1). Last evaluated 2026-05-15.

Conditions:
TYR-related disorder. Also called: TYR-related condition.
SKIN/HAIR/EYE PIGMENTATION 3, LIGHT/DARK SKIN (SHEP3). Also called: SKIN/HAIR/EYE PIGMENTATION, VARIATION IN, 3; EYE COLOR 1; EYE COLOR, GREEN/BLUE; SKIN/HAIR/EYE PIGMENTATION 3, BLUE/GREEN EYE COLOR; SKIN/HAIR/EYE PIGMENTATION 3, FRECKLING. Identifiers: MedGen C2677190, OMIM 601800.
Oculocutaneous albinism type 1A (OCA1A). Also called: Albinism, oculocutaneous, type IA. Identifiers: Orphanet 352731, Orphanet 79431, MedGen C4551504, MONDO:0008745, OMIM 203100. Disease mechanism: loss of function.
Oculocutaneous albinism type 1B (OCA1B). Also called: ALBINISM, OCULOCUTANEOUS, TYPE IB; ALBINISM, YELLOW MUTANT TYPE; YELLOW ALBINISM. Identifiers: Orphanet 352731, Orphanet 352737, Orphanet 79434, MedGen C1847024, MONDO:0011749, OMIM 606952.

Submissions (4):

PreventionGenetics, part of Exact Sciences
Classification: Pathogenic for TYR-related condition. Last evaluated: 2026-05-15. Review status: criteria provided, single submitter. Criteria: ACMG Guidelines, 2015. Collection method: clinical testing. Allele origin: germline.
Comment: The TYR c.1177delG variant is predicted to result in a frameshift and premature protein termination (p.Val393Leufs*92). This variant has been reported in multiple individuals with oculocutaneous albinism (Gargiulo et al. 2011. PubMed ID: 20861488; Ribero et al. 2017. PubMed ID: 28555837; Table S1, Karali et al. 2022. PubMed ID: 36460718). This variant is present in 0.0065% of alleles in individuals of European (Non-Finnish) descent in gnomAD. Frameshift variants in TYR are an established mechanism of disease. This variant is interpreted as pathogenic.

Dasa
Classification: Likely pathogenic. Last evaluated: 2026-03-13. Review status: criteria provided, single submitter. Criteria: DASA Assertion Criteria. Collection method: clinical testing. Allele origin: germline.
Comment: NM_000372.5(TYR):c.1177del (p.Val393Leufs*92) is a frameshift variant in TYR predicted to alter the reading frame and introduce a premature termination codon and is predicted to result in an absent or altered protein product. Loss of function is an established disease mechanism for TYR-associated disorders. This variant has been reported in individuals with TYR-related disorders (PMID: 20861488). Also, this variant is rare in population databases. Based on the currently available evidence, this variant is classified as likely pathogenic.

Fulgent Genetics
Classification: Pathogenic for Oculocutaneous albinism type 1A; SKIN/HAIR/EYE PIGMENTATION 3, LIGHT/DARK SKIN; Oculocutaneous albinism type 1B. Last evaluated: 2024-06-19. Review status: criteria provided, single submitter. Criteria: ACMG Guidelines, 2015. Collection method: clinical testing. Allele origin: germline.

Blueprint Genetics
Classification: Pathogenic for TYR-related disorders. Last evaluated: 2023-07-13. Review status: criteria provided, single submitter. Criteria: ACMG Guidelines, 2015. Collection method: clinical testing. Allele origin: germline. Affected: yes. Observed: 2 variant alleles.

Literature cited by the submitters: PubMed 20861488 (cited by Dasa).

NM_000372.5(TYR):c.1177del (p.Val393fs)

Gene: TYR (tyrosinase; plus strand). Cytogenetic location: 11q14.3.
Variant type: Deletion.
Coding change: c.1177del on transcript NM_000372.5 (MANE Select); coding-DNA position 1177, one base deleted (G; older notation c.1177delG).
Protein change: p.Val393fs; shifts the reading frame from valine 393.
Molecular consequence: frameshift variant.
Genome position (GRCh38, 1-based): chr11:89,227,963, G deleted. VCF-style (leftmost placement, unchanged base first): chr11-89227962-TG-T. GRCh37 (hg19) VCF-style: chr11-88961130-TG-T.
Other names: c.1177delG (NM_000372.4); short protein forms V393fs.
Identifiers: ClinVar variation 3574119 (VCV003574119.5).